The following is an entry in ClinVar:

ClinVar aggregate classification (germline): Uncertain significance. Review status: criteria provided, multiple submitters, no conflicts (2 of 4 stars). 2 submissions from 2 submitters: Uncertain significance (2). Last evaluated 2025-09-10.

Conditions:
O'Donnell-Luria-Rodan syndrome (ODLURO). Also called: KMT2E-Related Neurodevelopmental Disorder. Identifiers: MedGen C5193138, MONDO:0032793, OMIM 618512.

Submissions (2):

Genomic Medicine Center of Excellence, King Faisal Specialist Hospital and Research Centre
Classification: Uncertain significance for O'Donnell-Luria-Rodan syndrome. Last evaluated: 2025-09-10. Review status: criteria provided, single submitter. Criteria: ACMG Guidelines, 2015. Collection method: clinical testing. Allele origin: germline.

Baylor Genetics
Classification: Uncertain significance for O'Donnell-Luria-Rodan syndrome. Last evaluated: 2020-11-13. Review status: criteria provided, single submitter. Criteria: ACMG Guidelines, 2015. Collection method: clinical testing. Allele origin: unknown. Affected: yes.
Comment: This variant was determined to be of uncertain significance according to ACMG Guidelines, 2015 [PMID:25741868].

NM_182931.3(KMT2E):c.1373A>T (p.Asp458Val)

Gene: KMT2E (lysine methyltransferase 2E (inactive); plus strand). Cytogenetic location: 7q22.3.
Variant type: single nucleotide variant.
Coding change: c.1373A>T on transcript NM_182931.3 (MANE Select); coding-DNA position 1373, A replaced by T.
Protein change: p.Asp458Val; replaces aspartic acid 458 with valine.
Molecular consequence: missense variant.
Genome position (GRCh38, 1-based): chr7:105,090,023, A>T. VCF-style: chr7-105090023-A-T. GRCh37 (hg19) VCF-style: chr7-104730470-A-T.
Other names: c.1373A>T, p.Asp458Val (NM_018682.4); short protein forms D458V.
Identifiers: ClinVar variation 1028609 (VCV001028609.2), dbSNP rs1798135752, ClinGen allele CA368782063.